The following is an entry in ClinVar:

ClinVar aggregate classification (germline): Likely pathogenic (1 of 4 stars; one submission).

Conditions:
Cone-rod dystrophy. Also called: Cone-rod degeneration; Cone/cone-rod dystrophy. Identifiers: Orphanet 1872, MedGen C4085590, MONDO:0015993, HP:0000548.

Submission:

Ophthalmic Genetics Group, Institute of Molecular and Clinical Ophthalmology Basel
Classification: Likely pathogenic for Cone-rod dystrophy. Last evaluated: 2023-07-24. Review status: criteria provided, single submitter. Criteria: ACMG Guidelines, 2015. Collection method: research. Allele origin: germline. Affected: yes. Observed: 1 variant allele.
Comment: Clinical significance based on ACMG v2.0

This variant was classified as Likely pathogenic based on ACMG criteria: PVS1, PM2.

Literature cited by the submitters: PubMed 36909829.

NM_001256789.3(CACNA1F):c.2953del (p.Ala985fs)

Gene: CACNA1F (calcium voltage-gated channel subunit alpha1 F; minus strand). Cytogenetic location: Xp11.23.
Variant type: Deletion.
Coding change: c.2953del on transcript NM_001256789.3 (MANE Select); coding-DNA position 2953, one base deleted (G; older notation c.2953delG).
Protein change: p.Ala985fs; shifts the reading frame from alanine 985.
Molecular consequence: frameshift variant.
Genome position (GRCh38, 1-based): chrX:49,217,981, C deleted on the plus strand (G on the coding strand, the reverse complement: CACNA1F is on the minus strand); the first of 2 consecutive C bases (chrX:49,217,981-49,217,982); deleting either gives the same sequence. VCF-style (leftmost placement, unchanged base first): chrX-49217980-GC-G. GRCh37 (hg19) VCF-style: chrX-49074439-GC-G.
Other names: NC_000023.10:g.49074441del; NP_001243718.1:p.(Ala985ProfsTer9); c.2791del, p.Ala931fs (NM_001256790.3); c.2986del, p.Ala996fs (NM_005183.4); short protein forms A931fs, A985fs, A996fs.
Identifiers: ClinVar variation 2577504 (VCV002577504.2), dbSNP rs2520906768, ClinGen allele CA2579607625.
Genomic context (GRCh38, chrX:49,217,980, plus strand): 5'-CAGGCGAACATAAATTGCAGAAGTGTGGTGACAATCATGATGTTTCCGATGGTCCGGATG[GC>G]CACAAATACACACTGCACCACATGCTGCGGGCACCCAAGCATATGGCTACTGAACACTAC-3'